The following is an entry in ClinVar:

NM_001851.6(COL9A1):c.1151dup (p.Gly385fs)

Genes: COL9A1 (collagen type IX alpha 1 chain; minus strand), LOC129996692 (ATAC-STARR-seq lymphoblastoid active region 24730; plus strand). Cytogenetic location: 6q13.
Variant type: Duplication.
Coding change: c.1151dup on transcript NM_001851.6 (MANE Select); coding-DNA position 1151, one base duplicated (C; older notation c.1151dupC).
Protein change: p.Gly385fs; shifts the reading frame from glycine 385.
Molecular consequence: frameshift variant. On other transcripts: non-coding transcript variant (1).
Genome position (GRCh38, 1-based): chr6:70,270,360, G duplicated on the plus strand (C on the coding strand, the reverse complement: COL9A1 is on the minus strand); the first of 3 consecutive G bases (chr6:70,270,360-70,270,362); duplicating any one gives the same sequence. VCF-style (leftmost placement, unchanged base first): chr6-70270359-A-AG. GRCh37 (hg19) VCF-style: chr6-70980062-A-AG.
Other names: c.422dup, p.Gly142fs (NM_001377289.1, NM_001377290.1, NM_078485.4); short protein forms G142fs, G385fs.
Identifiers: ClinVar variation 3344797 (VCV003344797.2).
Genomic context (GRCh38, chr6:70,270,359, plus strand): 5'-CTGCAAATAACTTACTCTGGGTCCTGGGGGGCCAGGGGGGCCAGGTGGTCCTCTTCTCCC[A>AG]GGGTCACCCTAAGTTATTTGAAAATTGCGACACAGTGGTTATACATGTGTCAAAACACAG-3'

ClinVar aggregate classification (germline): Likely pathogenic (1 of 4 stars; one submission).

Conditions:
COL9A1-related disorder. Also called: COL9A1-related condition; COL9A1-related disorders.

Submission:

PreventionGenetics, part of Exact Sciences
Classification: Likely pathogenic for COL9A1-related condition. Last evaluated: 2025-01-09. Review status: criteria provided, single submitter. Criteria: ACMG Guidelines, 2015. Collection method: clinical testing. Allele origin: germline.
Comment: The COL9A1 c.1151dupC variant is predicted to result in a frameshift and premature protein termination (p.Gly385Trpfs*22). To our knowledge, this variant has not been reported in the literature or in a large population database, indicating this variant is rare. Frameshift variants in COL9A1 are expected to be pathogenic. This variant is interpreted as likely pathogenic.